The following is an entry in ClinVar:

NM_000548.5(TSC2):c.725C>T (p.Thr242Ile)

Gene: TSC2 (TSC complex subunit 2; plus strand). Cytogenetic location: 16p13.3.
Variant type: single nucleotide variant.
Coding change: c.725C>T on transcript NM_000548.5 (MANE Select); coding-DNA position 725, C replaced by T.
Protein change: p.Thr242Ile; replaces threonine 242 with isoleucine.
Molecular consequence: missense variant.
Genome position (GRCh38, 1-based): chr16:2,056,720, C>T. VCF-style: chr16-2056720-C-T. GRCh37 (hg19) VCF-style: chr16-2106721-C-T.
Other names: c.725C>T, p.Thr242Ile (NM_001077183.3, NM_001114382.3, NM_001363528.2 and 3 more transcripts); c.614C>T, p.Thr205Ile (NM_001318827.2); c.578C>T, p.Thr193Ile (NM_001318829.2); c.125C>T, p.Thr42Ile (NM_001318831.2); c.758C>T, p.Thr253Ile (NM_001318832.2); short protein forms T205I, T193I, T42I, T242I, T253I.
Identifiers: ClinVar variation 641675 (VCV000641675.11), dbSNP rs1007232729, ClinGen allele CA394312736.

ClinVar aggregate classification (germline): Uncertain significance. Review status: criteria provided, multiple submitters, no conflicts (2 of 4 stars). 2 submissions from 2 submitters: Uncertain significance (2). Last evaluated 2025-07-10.

Conditions:
Hereditary cancer-predisposing syndrome. Also called: Neoplastic Syndromes, Hereditary; Hereditary Cancer Syndrome; Hereditary neoplastic syndrome; Tumor predisposition. Identifiers: Orphanet 140162, MedGen C0027672, MeSH D009386, MONDO:0015356.
Tuberous sclerosis 2 (TSC2). Identifiers: Orphanet 805, MedGen C1860707, MONDO:0013199, OMIM 613254.

gnomAD v4.1: 3 of 1,612,368 alleles (0.00019%); highest among the groups gnomAD compares: East Asian, 0.0022%; no homozygotes.

Submissions (2):

Ambry Genetics
Classification: Uncertain significance for Hereditary cancer-predisposing syndrome. Last evaluated: 2025-07-10. Review status: criteria provided, single submitter. Criteria: Ambry Variant Classification Scheme 2023. Collection method: clinical testing. Allele origin: germline.
Comment: The p.T242I variant (also known as c.725C>T), located in coding exon 7 of the TSC2 gene, results from a C to T substitution at nucleotide position 725. The threonine at codon 242 is replaced by isoleucine, an amino acid with similar properties. This amino acid position is conserved. In addition, this alteration is predicted to be deleterious by in silico analysis. Since supporting evidence is limited at this time, the clinical significance of this alteration remains unclear.

Labcorp Genetics (formerly Invitae), Labcorp
Classification: Uncertain significance for Tuberous sclerosis 2. Last evaluated: 2021-12-17. Review status: criteria provided, single submitter. Criteria: Invitae Variant Classification Sherloc (09022015). Collection method: clinical testing. Allele origin: germline.
Comment: This sequence change replaces threonine, which is neutral and polar, with isoleucine, which is neutral and non-polar, at codon 242 of the TSC2 protein (p.Thr242Ile). In summary, the available evidence is currently insufficient to determine the role of this variant in disease. Therefore, it has been classified as a Variant of Uncertain Significance. Advanced modeling of protein sequence and biophysical properties (such as structural, functional, and spatial information, amino acid conservation, physicochemical variation, residue mobility, and thermodynamic stability) performed at Invitae indicates that this missense variant is not expected to disrupt TSC2 protein function. ClinVar contains an entry for this variant (Variation ID: 641675). This variant has not been reported in the literature in individuals affected with TSC2-related conditions. This variant is not present in population databases (gnomAD no frequency).